The following is an entry in ClinVar:

NM_002677.5(PMP2):c.246+6C>T

Gene: PMP2 (peripheral myelin protein 2; minus strand). Cytogenetic location: 8q21.13.
Variant type: single nucleotide variant.
Coding change: c.246+6C>T on transcript NM_002677.5 (MANE Select); 6 bases into the intron after coding-DNA position 246, C replaced by T.
Molecular consequence: intron variant.
Genome position (GRCh38, 1-based): chr8:81,444,811, G>A on the plus strand (C>T on the coding strand, the complement: PMP2 is on the minus strand). VCF-style: chr8-81444811-G-A. GRCh37 (hg19) VCF-style: chr8-82357046-G-A.
Other names: c.74-210C>T (NM_001348381.2).
Identifiers: ClinVar variation 2000863 (VCV002000863.4), dbSNP rs1807417313, ClinGen allele CA1797418929.

ClinVar aggregate classification (germline): Uncertain significance (1 of 4 stars; one submission).

Submission:

Labcorp Genetics (formerly Invitae), Labcorp
Classification: Uncertain significance. Last evaluated: 2022-05-30. Review status: criteria provided, single submitter. Criteria: Invitae Variant Classification Sherloc (09022015). Collection method: clinical testing. Allele origin: germline.
Comment: This sequence change falls in intron 2 of the PMP2 gene. It does not directly change the encoded amino acid sequence of the PMP2 protein. It affects a nucleotide within the consensus splice site. This variant is not present in population databases (gnomAD no frequency). This variant has not been reported in the literature in individuals affected with PMP2-related conditions. Variants that disrupt the consensus splice site are a relatively common cause of aberrant splicing (PMID: 17576681, 9536098). Algorithms developed to predict the effect of sequence changes on RNA splicing suggest that this variant is not likely to affect RNA splicing. In summary, the available evidence is currently insufficient to determine the role of this variant in disease. Therefore, it has been classified as a Variant of Uncertain Significance.

Literature cited by the submitters: PubMed 17576681; PubMed 9536098.